The following is an entry in ClinVar:

ClinVar aggregate classification (germline): Uncertain significance (1 of 4 stars; one submission).

Conditions:
Cornelia de Lange syndrome 5 (CDLS5). Also called: HDAC8-Related Cornelia de Lange Syndrome. Identifiers: Orphanet 199, MedGen C3550903, MONDO:0010471, OMIM 300882.

Submission:

Labcorp Genetics (formerly Invitae), Labcorp
Classification: Uncertain significance for Cornelia de Lange syndrome 5. Last evaluated: 2024-01-22. Review status: criteria provided, single submitter. Criteria: Invitae Variant Classification Sherloc (09022015). Collection method: clinical testing. Allele origin: germline.
Comment: This sequence change replaces isoleucine, which is neutral and non-polar, with leucine, which is neutral and non-polar, at codon 300 of the HDAC8 protein (p.Ile300Leu). This variant is not present in population databases (gnomAD no frequency). This variant has not been reported in the literature in individuals affected with HDAC8-related conditions. Advanced modeling of protein sequence and biophysical properties (such as structural, functional, and spatial information, amino acid conservation, physicochemical variation, residue mobility, and thermodynamic stability) performed at Invitae indicates that this missense variant is not expected to disrupt HDAC8 protein function with a negative predictive value of 80%. In summary, the available evidence is currently insufficient to determine the role of this variant in disease. Therefore, it has been classified as a Variant of Uncertain Significance.

NM_018486.3(HDAC8):c.898A>C (p.Ile300Leu)

Gene: HDAC8 (histone deacetylase 8; minus strand). Cytogenetic location: Xq13.1.
Variant type: single nucleotide variant.
Coding change: c.898A>C on transcript NM_018486.3 (MANE Select); coding-DNA position 898, A replaced by C.
Protein change: p.Ile300Leu; replaces isoleucine 300 with leucine.
Molecular consequence: missense variant. On other transcripts: non-coding transcript variant (1).
Genome position (GRCh38, 1-based): chrX:72,464,571, T>G on the plus strand (A>C on the coding strand, the complement: HDAC8 is on the minus strand). VCF-style: chrX-72464571-T-G. GRCh37 (hg19) VCF-style: chrX-71684421-T-G.
Other names: c.625A>C, p.Ile209Leu (NM_001166418.2, NM_001410728.1); c.898A>C, p.Ile300Leu (NM_001410725.1, NM_001410729.1); c.820A>C, p.Ile274Leu (NM_001410727.1); short protein forms I209L, I274L, I300L.
Identifiers: ClinVar variation 2710791 (VCV002710791.3), dbSNP rs2520412794, ClinGen allele CA413642732.